The following is an entry in ClinVar:

NM_205850.3(SLC24A5):c.1096C>A (p.Pro366Thr)

Genes: MYEF2 (myelin expression factor 2; minus strand), SLC24A5 (solute carrier family 24 member 5; plus strand). Cytogenetic location: 15q21.1.
Variant type: single nucleotide variant.
Coding change: c.1096C>A on transcript NM_205850.3 (MANE Select); coding-DNA position 1096, C replaced by A.
Protein change: p.Pro366Thr; replaces proline 366 with threonine.
Molecular consequence: missense variant. On other transcripts: 3 prime UTR variant (2).
Genome position (GRCh38, 1-based): chr15:48,141,130, C>A. VCF-style: chr15-48141130-C-A. GRCh37 (hg19) VCF-style: chr15-48433327-C-A.
Other names: c.*1778G>T (NM_001301210.2, NM_016132.5); short protein forms P366T.
Identifiers: ClinVar variation 2152233 (VCV002152233.2), dbSNP rs147788058, ClinGen allele CA7546052.
Genomic context (GRCh38, chr15:48,141,130, plus strand): 5'-TGAATCTTTAAGATTTGTAACTTGAAATATCTGTTTATTACAGGGGAAACACTAGAAATT[C>A]CCGATACAGTAATGGGCCTTACTTTATTAGCAGCAGGAACAAGCATACCAGACACAATTG-3'
Protein context (NP_995322.1, residues 356-376): VTITGETLEI[Pro366Thr]DTVMGLTLLA

ClinVar aggregate classification (germline): Uncertain significance. Review status: criteria provided, multiple submitters, no conflicts (2 of 4 stars). 2 submissions from 2 submitters: Uncertain significance (2). Last evaluated 2023-11-17.

Allele frequency attached by ClinVar (database versions not stated): TOPMed 0.00009; gnomAD 0.00016; ESP Exome Variant Server 0.00023; ExAC 0.00025; gnomAD exomes 0.00029.
gnomAD v4.1: 440 of 1,613,108 alleles (0.027%); highest among the groups gnomAD compares: South Asian, 0.14%; 1 homozygote.

Submissions (2):

Blueprint Genetics
Classification: Uncertain significance. Last evaluated: 2023-11-17. Review status: criteria provided, single submitter. Criteria: ACMG Guidelines, 2015. Collection method: clinical testing. Allele origin: germline.

Labcorp Genetics (formerly Invitae), Labcorp
Classification: Uncertain significance. Last evaluated: 2022-10-18. Review status: criteria provided, single submitter. Criteria: Invitae Variant Classification Sherloc (09022015). Collection method: clinical testing. Allele origin: germline.
Comment: This sequence change replaces proline, which is neutral and non-polar, with threonine, which is neutral and polar, at codon 366 of the SLC24A5 protein (p.Pro366Thr). This variant is present in population databases (rs147788058, gnomAD 0.1%). This missense change has been observed in individual(s) with albinism (PMID: 29345414). In at least one individual the data is consistent with being in trans (on the opposite chromosome) from a pathogenic variant. Advanced modeling of protein sequence and biophysical properties (such as structural, functional, and spatial information, amino acid conservation, physicochemical variation, residue mobility, and thermodynamic stability) has been performed at Invitae for this missense variant, however the output from this modeling did not meet the statistical confidence thresholds required to predict the impact of this variant on SLC24A5 protein function. In summary, the available evidence is currently insufficient to determine the role of this variant in disease. Therefore, it has been classified as a Variant of Uncertain Significance.

Literature cited by the submitters: PubMed 29345414 (cited by Labcorp Genetics (formerly Invitae), Labcorp).